The following is an entry in ClinVar:

ClinVar aggregate classification (germline): Uncertain significance (1 of 4 stars; one submission).

Conditions:
Asphyxiating thoracic dystrophy 5 (SRTD5). Also called: SHORT-RIB THORACIC DYSPLASIA 5 WITH OR WITHOUT POLYDACTYLY; SHORT-RIB THORACIC DYSPLASIA 5 WITHOUT POLYDACTYLY. Identifiers: Orphanet 474, MedGen C3280598, MONDO:0013717, OMIM 614376.
Senior-Loken syndrome 8 (SLSN8). Identifiers: Orphanet 3156, MedGen C4225376, MONDO:0014579, OMIM 616307.

Allele frequency attached by ClinVar (database versions not stated): gnomAD 0.00001; gnomAD exomes 0.00001; TOPMed 0.00001.
gnomAD v4.1: 13 of 1,553,244 alleles (0.00084%); highest among the groups gnomAD compares: East Asian, 0.017%; no homozygotes.

Submission:

Labcorp Genetics (formerly Invitae), Labcorp
Classification: Uncertain significance for Senior-Loken syndrome 8; Asphyxiating thoracic dystrophy 5. Last evaluated: 2022-07-25. Review status: criteria provided, single submitter. Criteria: Invitae Variant Classification Sherloc (09022015). Collection method: clinical testing. Allele origin: germline.
Comment: In summary, the available evidence is currently insufficient to determine the role of this variant in disease. Therefore, it has been classified as a Variant of Uncertain Significance. Algorithms developed to predict the effect of missense changes on protein structure and function (SIFT, PolyPhen-2, Align-GVGD) all suggest that this variant is likely to be tolerated. This variant has not been reported in the literature in individuals affected with WDR19-related conditions. This variant is present in population databases (no rsID available, gnomAD 0.02%). This sequence change replaces tyrosine, which is neutral and polar, with histidine, which is basic and polar, at codon 28 of the WDR19 protein (p.Tyr28His).

NM_025132.4(WDR19):c.82T>C (p.Tyr28His)

Gene: WDR19 (WD repeat domain 19; plus strand). Cytogenetic location: 4p14.
Variant type: single nucleotide variant.
Coding change: c.82T>C on transcript NM_025132.4 (MANE Select); coding-DNA position 82, T replaced by C.
Protein change: p.Tyr28His; replaces tyrosine 28 with histidine.
Molecular consequence: missense variant. On other transcripts: 5 prime UTR variant (1).
Genome position (GRCh38, 1-based): chr4:39,185,801, T>C. VCF-style: chr4-39185801-T-C. GRCh37 (hg19) VCF-style: chr4-39187421-T-C.
Other names: c.-283T>C (NM_001317924.2); short protein forms Y28H.
Identifiers: ClinVar variation 1952894 (VCV001952894.5), dbSNP rs924561850, ClinGen allele CA95676101.